The following is an entry in ClinVar:

ClinVar aggregate classification (germline): Pathogenic/Likely pathogenic. Review status: criteria provided, multiple submitters, no conflicts (2 of 4 stars). 4 submissions from 4 submitters: Pathogenic (2); Likely pathogenic (1). 1 of the submissions does not count toward it. Last evaluated 2025-12-01.

Conditions:
Familial thoracic aortic aneurysm and aortic dissection (TAAD). Also called: Thoracic aortic aneurysms and dissections. Identifiers: Orphanet 91387, MedGen C4707243, MONDO:0019625.
Ehlers-Danlos syndrome, type 4 (EDSVASC). Also called: Ehlers-Danlos syndrome vascular type; Ehlers Danlos syndrome, ecchymotic type; Ehlers Danlos syndrome, arterial type; Ehlers Danlos syndrome, Sack-Barabas type; Ehlers-Danlos Syndrome Type IV. Identifiers: Orphanet 286, MedGen C0268338, MONDO:0017314, OMIM 130050.

Submissions (4):

CeGaT Center for Human Genetics Tuebingen
Classification: Pathogenic. Last evaluated: 2025-12-01. Review status: criteria provided, single submitter. Criteria: CeGaT Center For Human Genetics Tuebingen Variant Classification Criteria Version 2. Collection method: clinical testing. Allele origin: germline. Affected: yes. Observed: 1 variant allele.
Comment: COL3A1: PM1:Strong, PM2, PM5, PS4:Moderate, PP3

GeneDx
Classification: Pathogenic. Last evaluated: 2022-10-05. Review status: criteria provided, single submitter. Criteria: GeneDx Variant Classification Process June 2021. Collection method: clinical testing. Allele origin: germline. Affected: yes.
Comment: Not observed at significant frequency in large population cohorts (gnomAD); Occurs in the triple helical domain and replaces the glycine in the canonical Gly-X-Y repeat; missense substitution of a canonical glycine residue is expected to disrupt normal protein folding and function, and this is an established mechanism of disease (HGMD); In silico analysis supports that this missense variant has a deleterious effect on protein structure/function; This variant is associated with the following publications: (PMID: 28335520, 22019127, 31600821, 27488172, 24922459)

Ambry Genetics
Classification: Likely pathogenic for Familial thoracic aortic aneurysm and aortic dissection. Last evaluated: 2018-08-15. Review status: criteria provided, single submitter. Criteria: Ambry Variant Classification Scheme 2023. Collection method: clinical testing. Allele origin: germline.
Comment: The p.G1170S variant (also known as c.3508G>A), located in coding exon 47 of the COL3A1 gene, results from a G to A substitution at nucleotide position 3508. The glycine at codon 1170 is replaced by serine, an amino acid with similar properties. The majority (approximately two-thirds) of COL3A1 mutations identified to date have involved the substitution of another amino acid for glycine within the triple-helical domain (Pepin MG et al. Genet Med. 2014;16(12):881-8; Frank M et al. Eur J Hum Genet. 2015;23(12):1657-64). This particular glycine substitution has been reported in several Ehlers-Danlos syndrome type IV (vascular type) cohorts (Drera B et al. J. Dermatol. Sci. 2011;64:237-40; Pepin MG et al. Genet. Med. 2014;16:881-8; Busch A et al. Orphanet J Rare Dis. 2016;11:111). Internal structural analysis has demonstrated that this alteration disrupts the characteristic G-X-Y motif in the COL3A1 protein and inserts a bulky side chain into a sterically-constrained region (Bella J et al. Science. 1994;266:75-81; Hohenester E et al. Proc. Natl. Acad. Sci. U.S.A. 2008;105:18273-7; Ambry internal data). A pathogenic mutation (p.G1170D) and a likely pathogenic alteration (p.G1170V) have been described in the same codon (Johnson PH et al. Hum. Mutat. 1995;6:336-42; Pepin M et al. N. Engl. J. Med. 2000;342:673-80). This amino acid position is highly conserved in available vertebrate species. In addition, this alteration is predicted to be deleterious by in silico analysis. Based on the majority of available evidence to date, this variant is likely to be pathogenic.

Collagen Diagnostic Laboratory, University of Washington
Classification: Pathogenic for Ehlers-Danlos syndrome, type 4. Review status: no assertion criteria provided. Collection method: clinical testing. Allele origin: germline. Affected: yes. Not counted in ClinVar's aggregate classification.

Literature cited by the submitters: PubMed 22019127 (cited by Ambry Genetics); PubMed 24922459 (cited by Ambry Genetics); PubMed 27488172 (cited by Ambry Genetics).

NM_000090.4(COL3A1):c.3508G>A (p.Gly1170Ser)

Gene: COL3A1 (collagen type III alpha 1 chain; plus strand). Cytogenetic location: 2q32.2.
Variant type: single nucleotide variant.
Coding change: c.3508G>A on transcript NM_000090.4 (MANE Select); coding-DNA position 3508, G replaced by A.
Protein change: p.Gly1170Ser; replaces glycine 1170 with serine.
Molecular consequence: missense variant.
Genome position (GRCh38, 1-based): chr2:189,008,125, G>A. VCF-style: chr2-189008125-G-A. GRCh37 (hg19) VCF-style: chr2-189872851-G-A.
Identifiers: ClinVar variation 101177 (VCV000101177.12), dbSNP rs587779482, ClinGen allele CA006533.